The following is an entry in ClinVar:

ClinVar aggregate classification (germline): Pathogenic (1 of 4 stars; one submission).

Conditions:
Developmental and epileptic encephalopathy, 12 (DEE12). Identifiers: MedGen C3150988, MONDO:0013389, OMIM 613722.

Submission:

Labcorp Genetics (formerly Invitae), Labcorp
Classification: Pathogenic for Developmental and epileptic encephalopathy, 12. Last evaluated: 2025-11-16. Review status: criteria provided, single submitter. Criteria: Invitae Variant Classification Sherloc (09022015). Collection method: clinical testing. Allele origin: germline.
Comment: This sequence change creates a premature translational stop signal (p.Ala432Glnfs*61) in the PNKP gene. While this is not anticipated to result in nonsense mediated decay, it is expected to disrupt the last 90 amino acid(s) of the PNKP protein. This variant is not present in population databases (gnomAD no frequency). This variant has not been reported in the literature in individuals affected with PNKP-related conditions. This variant disrupts a region of the PNKP protein in which other variant(s) (p.Gln517*) have been determined to be pathogenic (PMID: 30039206). This suggests that this is a clinically significant region of the protein, and that variants that disrupt it are likely to be disease-causing. For these reasons, this variant has been classified as Pathogenic.

Literature cited by the submitters: PubMed 30039206.

NM_007254.4(PNKP):c.1294_1295del (p.Ala432fs)

Gene: PNKP (polynucleotide kinase 3'-phosphatase; minus strand). Cytogenetic location: 19q13.33.
Variant type: Microsatellite.
Coding change: c.1294_1295del on transcript NM_007254.4 (MANE Select); coding-DNA positions 1294 to 1295, 2 bases deleted (GC; older notation c.1294_1295delGC).
Protein change: p.Ala432fs; shifts the reading frame from alanine 432.
Molecular consequence: frameshift variant.
Genome position (GRCh38, 1-based): chr19:49,861,775-49,861,776, GC deleted on the plus strand (GC on the coding strand, the reverse complement: PNKP is on the minus strand); deleting any 2 consecutive bases within chr19:49,861,775-49,861,779 gives the same sequence; the c. name uses the placement nearest the transcript's 3' end. VCF-style (leftmost placement, unchanged base first): chr19-49861774-GGC-G. GRCh37 (hg19) VCF-style: chr19-50365031-GGC-G.
Other names: short protein forms A432fs.
Identifiers: ClinVar variation 4796873 (VCV004796873.1).